The following is an entry in ClinVar:

NM_004972.4(JAK2):c.2722G>C (p.Asp908His)

Genes: INSL6 (insulin like 6; minus strand), JAK2 (Janus kinase 2; plus strand). Cytogenetic location: 9p24.1.
Variant type: single nucleotide variant.
Coding change: c.2722G>C on transcript NM_004972.4 (MANE Select); coding-DNA position 2722, G replaced by C.
Protein change: p.Asp908His; replaces aspartic acid 908 with histidine.
Molecular consequence: missense variant. On other transcripts: non-coding transcript variant (2).
Genome position (GRCh38, 1-based): chr9:5,089,824, G>C. VCF-style: chr9-5089824-G-C. GRCh37 (hg19) VCF-style: chr9-5089824-G-C.
Other names: c.2722G>C, p.Asp908His (NM_001322194.2, NM_001322195.2, NM_001322196.2); c.1507G>C, p.Asp503His (NM_001322198.2, NM_001322199.2); c.2275G>C, p.Asp759His (NM_001322204.2); short protein forms D503H, D908H, D759H.
Identifiers: ClinVar variation 2009961 (VCV002009961.4), dbSNP rs2489121262, ClinGen allele CA372829150.

ClinVar aggregate classification (germline): Uncertain significance (1 of 4 stars; one submission).

Submission:

Labcorp Genetics (formerly Invitae), Labcorp
Classification: Uncertain significance. Last evaluated: 2022-08-17. Review status: criteria provided, single submitter. Criteria: Invitae Variant Classification Sherloc (09022015). Collection method: clinical testing. Allele origin: germline.
Comment: This sequence change replaces aspartic acid, which is acidic and polar, with histidine, which is basic and polar, at codon 908 of the JAK2 protein (p.Asp908His). This variant is not present in population databases (gnomAD no frequency). This variant has not been reported in the literature in individuals affected with JAK2-related conditions. Advanced modeling of protein sequence and biophysical properties (such as structural, functional, and spatial information, amino acid conservation, physicochemical variation, residue mobility, and thermodynamic stability) performed at Invitae indicates that this missense variant is not expected to disrupt JAK2 protein function. In summary, the available evidence is currently insufficient to determine the role of this variant in disease. Therefore, it has been classified as a Variant of Uncertain Significance.